The following is an entry in ClinVar:

ClinVar aggregate classification (germline): Uncertain significance (1 of 4 stars; one submission).

Allele frequency attached by ClinVar (database versions not stated): gnomAD exomes below 0.00001.
gnomAD v4.1: 1 of 1,612,440 alleles (0.000062%); highest among the groups gnomAD compares: Admixed American, 0.0017%; no homozygotes.

Submission:

Labcorp Genetics (formerly Invitae), Labcorp
Classification: Uncertain significance. Last evaluated: 2019-08-26. Review status: criteria provided, single submitter. Criteria: Invitae Variant Classification Sherloc (09022015). Collection method: clinical testing. Allele origin: germline.
Comment: In summary, the available evidence is currently insufficient to determine the role of this variant in disease. Therefore, it has been classified as a Variant of Uncertain Significance. Algorithms developed to predict the effect of missense changes on protein structure and function (SIFT, PolyPhen-2, Align-GVGD) all suggest that this variant is likely to be tolerated, but these predictions have not been confirmed by published functional studies and their clinical significance is uncertain. This sequence change replaces histidine with leucine at codon 157 of the IL21 protein (p.His157Leu). The histidine residue is weakly conserved and there is a moderate physicochemical difference between histidine and leucine. This variant is not present in population databases (ExAC no frequency). This variant has not been reported in the literature in individuals with IL21-related conditions.

NM_021803.4(IL21):c.470A>T (p.His157Leu)

Gene: IL21 (interleukin 21; minus strand). Cytogenetic location: 4q27.
Variant type: single nucleotide variant.
Coding change: c.470A>T on transcript NM_021803.4 (MANE Select); coding-DNA position 470, A replaced by T.
Protein change: p.His157Leu; replaces histidine 157 with leucine.
Molecular consequence: missense variant. On other transcripts: 3 prime UTR variant (1).
Genome position (GRCh38, 1-based): chr4:122,612,729, T>A on the plus strand (A>T on the coding strand, the complement: IL21 is on the minus strand). VCF-style: chr4-122612729-T-A. GRCh37 (hg19) VCF-style: chr4-123533884-T-A.
Other names: c.*98A>T (NM_001207006.3); short protein forms H157L.
Identifiers: ClinVar variation 963258 (VCV000963258.6), dbSNP rs1326239267, ClinGen allele CA358220805.
Genomic context (GRCh38, chr4:122,612,729, plus strand): 5'-ATTAGAGTATGTAACATAGTGTCCAACTGCAAGTTAGATCCTCAGGAATCTTCACTTCCG[T>A]GTGTTCTAGAGGACAGATGCTGATGAATCATCTGTGGAAATAGTATACCGTGAGTAACTA-3'
Protein context (NP_068575.1, residues 147-162): MIHQHLSSRT[His157Leu]GSEDS